The following is an entry in ClinVar:

ClinVar aggregate classification (germline): Uncertain significance. Review status: criteria provided, multiple submitters, no conflicts (2 of 4 stars). 3 submissions from 3 submitters: Uncertain significance (3). Last evaluated 2025-03-11.

Conditions:
Inborn genetic diseases. Identifiers: MedGen C0950123, MeSH D030342.

Allele frequency attached by ClinVar (database versions not stated): gnomAD exomes 0.00002; ExAC 0.00004; gnomAD 0.00007; TOPMed 0.00007; 1000 Genomes Project 0.00060; 1000 Genomes Project 30x 0.00078.
gnomAD v4.1: 47 of 1,613,754 alleles (0.0029%); highest among the groups gnomAD compares: East Asian, 0.074%; no homozygotes.

Submissions (3):

GeneDx
Classification: Uncertain significance. Last evaluated: 2025-03-11. Review status: criteria provided, single submitter. Criteria: GeneDx Variant Classification Process June 2021. Collection method: clinical testing. Allele origin: germline. Affected: yes.
Comment: Identified in a patient with autosomal dominant nonsyndromic hearing loss who also harbored a variant in an additional gene that segregated with the affected status in the family in published literature (PMID: 39020321); In silico analysis indicates that this missense variant does not alter protein structure/function; This variant is associated with the following publications: (PMID: 39020321)

Labcorp Genetics (formerly Invitae), Labcorp
Classification: Uncertain significance. Last evaluated: 2023-12-26. Review status: criteria provided, single submitter. Criteria: Invitae Variant Classification Sherloc (09022015). Collection method: clinical testing. Allele origin: germline.
Comment: This sequence change replaces arginine, which is basic and polar, with glutamine, which is neutral and polar, at codon 1495 of the MYO3A protein (p.Arg1495Gln). This variant is present in population databases (rs200079299, gnomAD 0.1%). This variant has not been reported in the literature in individuals affected with MYO3A-related conditions. ClinVar contains an entry for this variant (Variation ID: 1878733). An algorithm developed to predict the effect of missense changes on protein structure and function (PolyPhen-2) suggests that this variant is likely to be disruptive. In summary, the available evidence is currently insufficient to determine the role of this variant in disease. Therefore, it has been classified as a Variant of Uncertain Significance.

Ambry Genetics
Classification: Uncertain significance for Inborn genetic diseases. Last evaluated: 2022-03-28. Review status: criteria provided, single submitter. Criteria: Ambry Variant Classification Scheme 2023. Collection method: clinical testing. Allele origin: germline.

NM_017433.5(MYO3A):c.4484G>A (p.Arg1495Gln)

Gene: MYO3A (myosin IIIA; plus strand). Cytogenetic location: 10p12.1.
Variant type: single nucleotide variant.
Coding change: c.4484G>A on transcript NM_017433.5 (MANE Select); coding-DNA position 4484, G replaced by A.
Protein change: p.Arg1495Gln; replaces arginine 1495 with glutamine.
Molecular consequence: missense variant.
Genome position (GRCh38, 1-based): chr10:26,193,250, G>A. VCF-style: chr10-26193250-G-A. GRCh37 (hg19) VCF-style: chr10-26482179-G-A.
Other names: short protein forms R1495Q.
Identifiers: ClinVar variation 1878733 (VCV001878733.8), dbSNP rs200079299, ClinGen allele CA5445480.